The following is an entry in ClinVar:

ClinVar aggregate classification (germline): Likely benign. Review status: criteria provided, multiple submitters, no conflicts (2 of 4 stars). 3 submissions from 3 submitters: Likely benign (2). 1 of the submissions does not count toward it. Last evaluated 2026-01-12.

Conditions:
ACTG1-related disorder. Also called: ACTG1-related condition; ACTG1-related disorders.
Autosomal dominant nonsyndromic hearing loss 20. Identifiers: Orphanet 90635, MedGen C1858172, MONDO:0011480, OMIM 604717.
Baraitser-winter syndrome 2. Identifiers: Orphanet 2995, MedGen C3281235, MONDO:0013812, OMIM 614583.

Allele frequency attached by ClinVar (database versions not stated): ExAC 0.00011; gnomAD exomes 0.00012; TOPMed 0.00012; gnomAD 0.00015; 1000 Genomes Project 30x 0.00031; 1000 Genomes Project 0.00040.

Submissions (3):

Labcorp Genetics (formerly Invitae), Labcorp
Classification: Likely benign for Baraitser-winter syndrome 2; Autosomal dominant nonsyndromic hearing loss 20. Last evaluated: 2026-01-12. Review status: criteria provided, single submitter. Criteria: Invitae Variant Classification Sherloc (09022015). Collection method: clinical testing. Allele origin: germline.

Blueprint Genetics
Classification: Likely benign. Last evaluated: 2024-11-19. Review status: criteria provided, single submitter. Criteria: ACMG Guidelines, 2015. Collection method: clinical testing. Allele origin: germline.

PreventionGenetics, part of Exact Sciences
Classification: Likely benign for ACTG1-related condition. Last evaluated: 2021-06-07. Review status: no assertion criteria provided. Collection method: clinical testing. Allele origin: germline. Not counted in ClinVar's aggregate classification.
Comment: This variant is classified as likely benign based on ACMG/AMP sequence variant interpretation guidelines (Richards et al. 2015 PMID: 25741868, with internal and published modifications).

NM_001614.5(ACTG1):c.276C>T (p.Asn92=)

Gene: ACTG1 (actin gamma 1; minus strand). Cytogenetic location: 17q25.3.
Variant type: single nucleotide variant.
Coding change: c.276C>T on transcript NM_001614.5 (MANE Select); coding-DNA position 276, C replaced by T.
Protein change: p.Asn92=; no amino-acid change (asparagine 92 retained).
Molecular consequence: synonymous variant. On other transcripts: non-coding transcript variant (1).
Genome position (GRCh38, 1-based): chr17:81,511,990, G>A on the plus strand (C>T on the coding strand, the complement: ACTG1 is on the minus strand). VCF-style: chr17-81511990-G-A. GRCh37 (hg19) VCF-style: chr17-79479016-G-A.
Other names: c.276C>T (NM_001614.3); c.276C>T, p.Asn92= (NM_001199954.3).
Identifiers: ClinVar variation 1971273 (VCV001971273.8), dbSNP rs566543337, ClinGen allele CA8836294.
Genomic context (GRCh38, chr17:81,511,990, plus strand): 5'-GGGGTTCAGGGGGGCCTCGGTCAGCAGCACTGGGTGCTCCTCCGGGGCCACGCGCAGCTC[G>A]TTGTAGAAGGTGTGGTGCCAGATCTTCTCCATGTCGTCCCAGTTGGTGACGATGCCATGC-3'
Protein context (NP_001605.1, residues 82-102): MEKIWHHTFY[Asn92=]ELRVAPEEHP